The following is an entry in ClinVar:

ClinVar aggregate classification (germline): Conflicting classifications of pathogenicity. Review status: criteria provided, conflicting classifications (1 of 4 stars). 2 submissions from 2 submitters: Uncertain significance (1); Benign (1). Last evaluated 2026-03-19.

Conditions:
Hereditary cancer-predisposing syndrome. Also called: Tumor predisposition; Hereditary neoplastic syndrome; Neoplastic Syndromes, Hereditary; Hereditary Cancer Syndrome. Identifiers: Orphanet 140162, MedGen C0027672, MeSH D009386, MONDO:0015356.
Fanconi anemia complementation group O. Also called: RAD51C-Related Fanconi Anemia. Identifiers: Orphanet 84, MedGen C3150653, MONDO:0013248, OMIM 613390.

Submissions (2):

Ambry Genetics
Classification: Benign for Hereditary cancer-predisposing syndrome. Last evaluated: 2026-03-19. Review status: criteria provided, single submitter. Criteria: Ambry Variant Classification Scheme 2023. Collection method: clinical testing. Allele origin: germline.

Labcorp Genetics (formerly Invitae), Labcorp
Classification: Uncertain significance for Fanconi anemia complementation group O. Last evaluated: 2017-07-11. Review status: criteria provided, single submitter. Criteria: Invitae Variant Classification Sherloc (09022015). Collection method: clinical testing. Allele origin: germline.
Comment: This variant is not present in population databases (ExAC no frequency). In summary, the available evidence is currently insufficient to determine the role of this variant in disease. Therefore, it has been classified as a Variant of Uncertain Significance. Algorithms developed to predict the effect of sequence changes on RNA splicing suggest that this variant may create or strengthen a splice site, but this prediction has not been confirmed by published transcriptional studies. Algorithms developed to predict the effect of missense changes on protein structure and function output the following: SIFT: "Tolerated"; PolyPhen-2: "Benign"; Align-GVGD: "Class C0". The valine amino acid residue is found in multiple mammalian species, suggesting that this missense change does not adversely affect protein function. These predictions have not been confirmed by published functional studies and their clinical significance is uncertain. This variant has not been reported in the literature in individuals with RAD51C-related disease. This sequence change replaces isoleucine with valine at codon 123 of the RAD51C protein (p.Ile123Val). The isoleucine residue is moderately conserved and there is a small physicochemical difference between isoleucine and valine.

NM_058216.3(RAD51C):c.367A>G (p.Ile123Val)

Gene: RAD51C (RAD51 paralog C; plus strand). Cytogenetic location: 17q22.
Variant type: single nucleotide variant.
Coding change: c.367A>G on transcript NM_058216.3 (MANE Select); coding-DNA position 367, A replaced by G.
Protein change: p.Ile123Val; replaces isoleucine 123 with valine.
Molecular consequence: missense variant. On other transcripts: non-coding transcript variant (2).
Genome position (GRCh38, 1-based): chr17:58,695,152, A>G. VCF-style: chr17-58695152-A-G. GRCh37 (hg19) VCF-style: chr17-56772513-A-G.
Other names: c.367A>G (NM_058216.1); c.367A>G, p.Ile123Val (NM_002876.4); short protein forms I123V.
Identifiers: ClinVar variation 487200 (VCV000487200.9), dbSNP rs1555593841, ClinGen allele CA400341771.
Genomic context (GRCh38, chr17:58,695,152, plus strand): 5'-TTCTGTTCAGCACTAGATGATATTCTTGGGGGTGGAGTGCCCTTAATGAAAACAACAGAA[A>G]TTTGTGGTGCACCAGGTGTTGGAAAAACACAATTATGGTAAAATAAAGTGTTCTCCTTTT-3'
Protein context (NP_478123.1, residues 113-133): GGVPLMKTTE[Ile123Val]CGAPGVGKTQ